The following is an entry in ClinVar:

NM_004369.4(COL6A3):c.4900+9C>A

Gene: COL6A3 (collagen type VI alpha 3 chain; minus strand). Cytogenetic location: 2q37.3.
Variant type: single nucleotide variant.
Coding change: c.4900+9C>A on transcript NM_004369.4 (MANE Select); 9 bases into the intron after coding-DNA position 4900, C replaced by A.
Molecular consequence: intron variant.
Genome position (GRCh38, 1-based): chr2:237,368,554, G>T on the plus strand (C>A on the coding strand, the complement: COL6A3 is on the minus strand). VCF-style: chr2-237368554-G-T. GRCh37 (hg19) VCF-style: chr2-238277197-G-T.
Other names: c.3079+9C>A (NM_057166.5); c.4282+9C>A (NM_057167.4); c.4900+9C>A (NM_004369.3).
Identifiers: ClinVar variation 1584196 (VCV001584196.10), dbSNP rs117345850, ClinGen allele CA2188786.

ClinVar aggregate classification (germline): Likely benign. Review status: criteria provided, single submitter (1 of 4 stars). 2 submissions from 2 submitters: Likely benign (1). 1 of the submissions does not count toward it. Last evaluated 2025-12-08.

Conditions:
COL6A3-related disorder. Also called: COL6A3-related disorders; COL6A3-related condition.
Bethlem myopathy 1A. Also called: Bethlem Muscular Dystrophy; MYOPATHY, BENIGN CONGENITAL, WITH CONTRACTURES; Bethlem myopathy 1. Identifiers: Orphanet 610, MedGen CN029274, MONDO:0024530, OMIM 158810.

gnomAD v4.1: 42 of 1,613,802 alleles (0.0026%); highest among the groups gnomAD compares: Non-Finnish European, 0.0033%; no homozygotes.

Submissions (2):

Labcorp Genetics (formerly Invitae), Labcorp
Classification: Likely benign for Bethlem myopathy 1A. Last evaluated: 2025-12-08. Review status: criteria provided, single submitter. Criteria: Invitae Variant Classification Sherloc (09022015). Collection method: clinical testing. Allele origin: germline.

PreventionGenetics, part of Exact Sciences
Classification: Likely benign for COL6A3-related condition. Last evaluated: 2019-08-12. Review status: no assertion criteria provided. Collection method: clinical testing. Allele origin: germline. Not counted in ClinVar's aggregate classification.
Comment: This variant is classified as likely benign based on ACMG/AMP sequence variant interpretation guidelines (Richards et al. 2015 PMID: 25741868, with internal and published modifications).